The following is an entry in ClinVar:

NM_199242.3(UNC13D):c.1228A>C (p.Ile410Leu)

Gene: UNC13D (unc-13 homolog D; minus strand). Cytogenetic location: 17q25.1.
Variant type: single nucleotide variant.
Coding change: c.1228A>C on transcript NM_199242.3 (MANE Select); coding-DNA position 1228, A replaced by C.
Protein change: p.Ile410Leu; replaces isoleucine 410 with leucine.
Molecular consequence: missense variant.
Genome position (GRCh38, 1-based): chr17:75,836,642, T>G on the plus strand (A>C on the coding strand, the complement: UNC13D is on the minus strand). VCF-style: chr17-75836642-T-G. GRCh37 (hg19) VCF-style: chr17-73832723-T-G.
Other names: short protein forms I410L.
Identifiers: ClinVar variation 225510 (VCV000225510.21), dbSNP rs117221419, ClinGen allele CA8773072.

ClinVar aggregate classification (germline): Conflicting classifications of pathogenicity. Review status: criteria provided, conflicting classifications (1 of 4 stars). 6 submissions from 6 submitters: Uncertain significance (3); Benign (1); Likely benign (2). Last evaluated 2026-01-26.

Conditions:
Autoinflammatory syndrome. Identifiers: Orphanet 93665, MedGen C3890737, MONDO:0019751.
Familial hemophagocytic lymphohistiocytosis 3 (FHL3). Also called: UNC13D-Related Familial Hemophagocytic Lymphohistiocytosis (UNC13D-fHLH). Identifiers: Orphanet 540, MedGen C1837174, MONDO:0012146, OMIM 608898.

Allele frequency attached by ClinVar (database versions not stated): gnomAD 0.00040 and 0.00054; TOPMed 0.00064; ExAC 0.00104; gnomAD exomes 0.00119; 1000 Genomes Project 30x 0.00265; 1000 Genomes Project 0.00280.
gnomAD v4.1: 594 of 1,613,688 alleles (0.037%); highest among the groups gnomAD compares: East Asian, 1.2%; 6 homozygotes.

Submissions (6):

Labcorp Genetics (formerly Invitae), Labcorp
Classification: Benign for Familial hemophagocytic lymphohistiocytosis 3. Last evaluated: 2026-01-26. Review status: criteria provided, single submitter. Criteria: Invitae Variant Classification Sherloc (09022015). Collection method: clinical testing. Allele origin: germline.

Genome Diagnostics Laboratory, The Hospital for Sick Children
Classification: Uncertain significance for Autoinflammatory syndrome. Last evaluated: 2019-06-01. Review status: criteria provided, single submitter. Criteria: ACMG Guidelines, 2015. Collection method: clinical testing. Allele origin: germline. Affected: yes.

Mendelics
Classification: Uncertain significance. Last evaluated: 2019-05-28. Review status: criteria provided, single submitter. Criteria: Mendelics Assertion Criteria 2017. Collection method: clinical testing. Allele origin: unknown.

Illumina Laboratory Services, Illumina
Classification: Likely benign for Familial hemophagocytic lymphohistiocytosis 3. Last evaluated: 2018-01-12. Review status: criteria provided, single submitter. Criteria: ICSL Variant Classification Criteria 13 December 2019. Collection method: clinical testing. Allele origin: germline.
Comment: This variant was observed in the ICSL laboratory as part of a predisposition screen in an ostensibly healthy population. It had not been previously curated by ICSL or reported in the Human Gene Mutation Database (HGMD: prior to June 1st, 2018), and was therefore a candidate for classification through an automated scoring system. Utilizing variant allele frequency, disease prevalence and penetrance estimates, and inheritance mode, an automated score was calculated to assess if this variant is too frequent to cause the disease. Based on the score and internal cut-off values, a variant classified as likely benign is not then subjected to further curation. The score for this variant resulted in a classification of likely benign for this disease.

Soonchunhyang University Bucheon Hospital, Soonchunhyang University Medical Center
Classification: Uncertain significance for Familial hemophagocytic lymphohistiocytosis 3. Last evaluated: 2016-03-18. Review status: criteria provided, single submitter. Criteria: ACMG Guidelines, 2015. Collection method: reference population. Allele origin: germline. Observed: 2 variant alleles.

PreventionGenetics, part of Exact Sciences
Classification: Likely benign. Review status: criteria provided, single submitter. Criteria: ACMG Guidelines, 2015. Collection method: clinical testing. Allele origin: germline.

Literature cited by the submitters: PubMed 21600143 (cited by Soonchunhyang University Bucheon Hospital, Soonchunhyang University Medical Center).